The following is an entry in ClinVar:

NM_001375765.1(GIGYF1):c.95C>G (p.Pro32Arg)

Gene: GIGYF1 (GRB10 interacting GYF protein 1; minus strand). Cytogenetic location: 7q22.1.
Variant type: single nucleotide variant.
Coding change: c.95C>G on transcript NM_001375765.1 (MANE Select); coding-DNA position 95, C replaced by G.
Protein change: p.Pro32Arg; replaces proline 32 with arginine.
Molecular consequence: missense variant. On other transcripts: non-coding transcript variant (1).
Genome position (GRCh38, 1-based): chr7:100,688,051, G>C on the plus strand (C>G on the coding strand, the complement: GIGYF1 is on the minus strand). VCF-style: chr7-100688051-G-C. GRCh37 (hg19) VCF-style: chr7-100285674-G-C.
Other names: NM_022574.4:c.95C>G; c.95C>G, p.Pro32Arg (NM_001375759.1, NM_001375760.1, NM_001375761.1 and 6 more transcripts); short protein forms P32R.
Identifiers: ClinVar variation 3281372 (VCV003281372.2).
Genomic context (GRCh38, chr7:100,688,051, plus strand): 5'-TTGACGTAGAGAGCCAGCATTTCCTCTCGCCCATAACGGTAGTCAGCCAGCTTGTATTTG[G>C]GCATGGCAGGGGACGGGGGTGGGGAGGCCACGCTGCCGCCCCCGGACAGGGCCCTGAGCC-3'
Protein context (NP_001362694.1, residues 22-42): VASPPPSPAM[Pro32Arg]KYKLADYRYG

ClinVar aggregate classification (germline): Uncertain significance (1 of 4 stars; one submission).

Submission:

Ambry Genetics
Classification: Uncertain significance. Last evaluated: 2024-07-05. Review status: criteria provided, single submitter. Criteria: Ambry Variant Classification Scheme 2023. Collection method: clinical testing. Allele origin: germline.
Comment: The c.95C>G (p.P32R) alteration is located in exon 2 (coding exon 2) of the GIGYF1 gene. This alteration results from a C to G substitution at nucleotide position 95, causing the proline (P) at amino acid position 32 to be replaced by an arginine (R). This variant was not reported in population-based cohorts in the Genome Aggregation Database (gnomAD). This amino acid position is highly conserved in available vertebrate species. This alteration is predicted to be deleterious by in silico analysis. Based on insufficient or conflicting evidence, the clinical significance of this alteration remains unclear.